The following is an entry in ClinVar:

ClinVar aggregate classification (germline): Uncertain significance (1 of 4 stars; one submission).

Conditions:
Hereditary cancer-predisposing syndrome. Also called: Hereditary Cancer Syndrome; Hereditary neoplastic syndrome; Neoplastic Syndromes, Hereditary; Tumor predisposition. Identifiers: Orphanet 140162, MedGen C0027672, MeSH D009386, MONDO:0015356.

Submission:

Ambry Genetics
Classification: Uncertain significance for Hereditary cancer-predisposing syndrome. Last evaluated: 2020-12-14. Review status: criteria provided, single submitter. Criteria: Ambry Variant Classification Scheme 2023. Collection method: clinical testing. Allele origin: germline.
Comment: The p.L436V variant (also known as c.1306C>G), located in coding exon 11 of the CHEK2 gene, results from a C to G substitution at nucleotide position 1306. The leucine at codon 436 is replaced by valine, an amino acid with highly similar properties. This amino acid position is well conserved in available vertebrate species. In addition, this alteration is predicted to be tolerated by in silico analysis. Since supporting evidence is limited at this time, the clinical significance of this alteration remains unclear.

NM_007194.4(CHEK2):c.1306C>G (p.Leu436Val)

Gene: CHEK2 (checkpoint kinase 2; minus strand). Cytogenetic location: 22q12.1.
Variant type: single nucleotide variant.
Coding change: c.1306C>G on transcript NM_007194.4 (MANE Select); coding-DNA position 1306, C replaced by G.
Protein change: p.Leu436Val; replaces leucine 436 with valine.
Molecular consequence: missense variant.
Genome position (GRCh38, 1-based): chr22:28,695,196, G>C on the plus strand (C>G on the coding strand, the complement: CHEK2 is on the minus strand). VCF-style: chr22-28695196-G-C. GRCh37 (hg19) VCF-style: chr22-29091184-G-C.
Other names: c.1435C>G, p.Leu479Val (NM_001005735.3); c.643C>G, p.Leu215Val (NM_001257387.3); c.1105C>G, p.Leu369Val (NM_001349956.3); c.1219C>G, p.Leu407Val (NM_145862.3); short protein forms L479V, L407V, L215V, L369V, L436V.
Identifiers: ClinVar variation 1769526 (VCV001769526.2), dbSNP rs17882922, ClinGen allele CA411096040.